The following is an entry in ClinVar:

NM_001258392.3(CLPB):c.1994G>A (p.Arg665Gln)

Gene: CLPB (ClpB family mitochondrial disaggregase; minus strand). Cytogenetic location: 11q13.4.
Variant type: single nucleotide variant.
Coding change: c.1994G>A on transcript NM_001258392.3 (MANE Select); coding-DNA position 1994, G replaced by A.
Protein change: p.Arg665Gln; replaces arginine 665 with glutamine.
Molecular consequence: missense variant.
Genome position (GRCh38, 1-based): chr11:72,293,407, C>T on the plus strand (G>A on the coding strand, the complement: CLPB is on the minus strand). VCF-style: chr11-72293407-C-T. GRCh37 (hg19) VCF-style: chr11-72004451-C-T.
Other names: c.1907G>A, p.Arg636Gln (NM_001258393.3); c.1949G>A, p.Arg650Gln (NM_001258394.3); c.2084G>A, p.Arg695Gln (NM_030813.6); short protein forms R636Q, R665Q, R695Q, R650Q.
Identifiers: ClinVar variation 933673 (VCV000933673.8), dbSNP rs374538248, ClinGen allele CA6170975.

ClinVar aggregate classification (germline): Uncertain significance (1 of 4 stars; one submission).

Conditions:
3-methylglutaconic aciduria, type VIIB (MGCA7B). Also called: 3-methylglutaconic aciduria, type VII, with cataracts, neurologic involvement and neutropenia; CLPB Deficiency; 3-methylglutaconic aciduria with cataracts, neurologic involvement and neutropenia. Identifiers: Orphanet 445038, MedGen C5676893, MONDO:0014561, OMIM 616271.

Allele frequency attached by ClinVar (database versions not stated): ExAC 0.00002; gnomAD exomes 0.00002; TOPMed 0.00003; gnomAD 0.00005; ESP Exome Variant Server 0.00008.
gnomAD v4.1: 44 of 1,613,998 alleles (0.0027%); highest among the groups gnomAD compares: Non-Finnish European, 0.0035%; no homozygotes.

Submission:

Labcorp Genetics (formerly Invitae), Labcorp
Classification: Uncertain significance for 3-methylglutaconic aciduria, type VIIB. Last evaluated: 2025-10-01. Review status: criteria provided, single submitter. Criteria: Invitae Variant Classification Sherloc (09022015). Collection method: clinical testing. Allele origin: germline.
Comment: This sequence change replaces arginine, which is basic and polar, with glutamine, which is neutral and polar, at codon 695 of the CLPB protein (p.Arg695Gln). This variant is present in population databases (rs374538248, gnomAD 0.01%). This variant has not been reported in the literature in individuals affected with CLPB-related conditions. ClinVar contains an entry for this variant (Variation ID: 933673). An algorithm developed to predict the effect of missense changes on protein structure and function outputs the following: PolyPhen-2: "Benign". The glutamine amino acid residue is found in multiple mammalian species, which suggests that this missense change does not adversely affect protein function. In summary, the available evidence is currently insufficient to determine the role of this variant in disease. Therefore, it has been classified as a Variant of Uncertain Significance.